The following is an entry in ClinVar:

NM_003579.4(RAD54L):c.1273A>G (p.Lys425Glu)

Gene: RAD54L (RAD54 like; plus strand). Cytogenetic location: 1p34.1.
Variant type: single nucleotide variant.
Coding change: c.1273A>G on transcript NM_003579.4 (MANE Select); coding-DNA position 1273, A replaced by G.
Protein change: p.Lys425Glu; replaces lysine 425 with glutamic acid.
Molecular consequence: missense variant.
Genome position (GRCh38, 1-based): chr1:46,272,700, A>G. VCF-style: chr1-46272700-A-G. GRCh37 (hg19) VCF-style: chr1-46738372-A-G.
Other names: c.1273A>G, p.Lys425Glu (NM_001142548.2); c.733A>G, p.Lys245Glu (NM_001370766.1); short protein forms K425E, K245E.
Identifiers: ClinVar variation 1765925 (VCV001765925.3), dbSNP rs751998616, ClinGen allele CA834560.

ClinVar aggregate classification (germline): Uncertain significance (1 of 4 stars; one submission).

Allele frequency attached by ClinVar (database versions not stated): ExAC 0.00001; gnomAD exomes 0.00003; TOPMed 0.00003.
gnomAD v4.1: 36 of 1,614,140 alleles (0.0022%); highest among the groups gnomAD compares: South Asian, 0.0044%; no homozygotes.

Submission:

Ambry Genetics
Classification: Uncertain significance. Last evaluated: 2024-06-16. Review status: criteria provided, single submitter. Criteria: Ambry Variant Classification Scheme 2023. Collection method: clinical testing. Allele origin: germline.
Comment: The p.K425E variant (also known as c.1273A>G), located in coding exon 12 of the RAD54L gene, results from an A to G substitution at nucleotide position 1273. The lysine at codon 425 is replaced by glutamic acid, an amino acid with similar properties. This amino acid position is conserved. In addition, the in silico prediction for this alteration is inconclusive. Since supporting evidence is limited at this time, the clinical significance of this alteration remains unclear.